The following is an entry in ClinVar:

ClinVar aggregate classification (germline): Likely benign (0 of 4 stars; one submission).

Conditions:
PUS7-related disorder. Also called: PUS7-related condition.

Submission:

PreventionGenetics, part of Exact Sciences
Classification: Likely benign for PUS7-related condition. Last evaluated: 2020-04-29. Review status: no assertion criteria provided. Collection method: clinical testing. Allele origin: germline.
Comment: This variant is classified as likely benign based on ACMG/AMP sequence variant interpretation guidelines (Richards et al. 2015 PMID: 25741868, with internal and published modifications).

NM_019042.5(PUS7):c.921-7_921-5del

Gene: PUS7 (pseudouridine synthase 7; minus strand). Cytogenetic location: 7q22.3.
Variant type: Deletion.
Coding change: c.921-7_921-5del on transcript NM_019042.5 (MANE Select); 7 bases into the intron before coding-DNA position 921 through 5 bases into the intron before coding-DNA position 921, 3 bases deleted (TTT; older notation c.921-7_921-5delTTT).
Molecular consequence: intron variant.
Genome position (GRCh38, 1-based): chr7:105,482,445-105,482,447, AAA deleted on the plus strand (TTT on the coding strand, the reverse complement: PUS7 is on the minus strand); deleting any 3 consecutive bases within chr7:105,482,445-105,482,460 gives the same sequence; the c. name uses the placement nearest the transcript's 3' end. VCF-style (leftmost placement, unchanged base first): chr7-105482444-TAAA-T. GRCh37 (hg19) VCF-style: chr7-105122891-TAAA-T.
Other names: c.939-7_939-5del (NM_001318163.1); c.921-7_921-5del (NM_001318164.2); c.939-7_939-5delTTT (NM_001318163.1).
Identifiers: ClinVar variation 3046904 (VCV003046904.2), dbSNP rs57080279, ClinGen allele CA4426016.